The following is an entry in ClinVar:

ClinVar aggregate classification (germline): Uncertain significance (1 of 4 stars; one submission).

Conditions:
Mucopolysaccharidosis, MPS-IV-A (MPS4A). Also called: Mucopolysaccharidosis type IV A; Mucopolysaccharidosis Type IVA; Morquio syndrome A, mild; MORQUIO SYNDROME A; MPS IVA; mucopolysaccharidosis type 4A. Identifiers: Orphanet 309297, Orphanet 582, MedGen C0086651, MONDO:0009659, OMIM 253000.

gnomAD v4.1: 3 of 1,602,820 alleles (0.00019%); highest among the groups gnomAD compares: Admixed American, 0.0017%; no homozygotes.

Submission:

Laboratory of Diagnosis and Therapy of Lysosomal Disorders, University of Padova
Classification: Uncertain significance for Mucopolysaccharidosis, MPS-IV-A. Last evaluated: 2021-02-01. Review status: criteria provided, single submitter. Criteria: ACMG Guidelines, 2015. Collection method: curation. Allele origin: germline. Affected: yes.
Comment: Absent from gnomAD v2.1.1 (PM2_moderate); multiple lines of computational evidence support a deleterious effect on the gene (PP3_supporting)

Literature cited by the submitters: PubMed 25545067; PubMed 34387910.

NM_000512.5(GALNS):c.1058C>A (p.Ala353Glu)

Gene: GALNS (galactosamine (N-acetyl)-6-sulfatase; minus strand). Cytogenetic location: 16q24.3.
Variant type: single nucleotide variant.
Coding change: c.1058C>A on transcript NM_000512.5 (MANE Select); coding-DNA position 1058, C replaced by A.
Protein change: p.Ala353Glu; replaces alanine 353 with glutamic acid.
Molecular consequence: missense variant.
Genome position (GRCh38, 1-based): chr16:88,826,783, G>T on the plus strand (C>A on the coding strand, the complement: GALNS is on the minus strand). VCF-style: chr16-88826783-G-T. GRCh37 (hg19) VCF-style: chr16-88893191-G-T.
Other names: c.503C>A, p.Ala168Glu (NM_001323543.2); c.1076C>A, p.Ala359Glu (NM_001323544.2); short protein forms A168E, A353E, A359E.
Identifiers: ClinVar variation 1048490 (VCV001048490.3), dbSNP rs774113183, ClinGen allele CA397098440.
Genomic context (GRCh38, chr16:88,826,783, plus strand): 5'-AGGAGGGTGGGGAGGAGGTTGAGGCCATCAATGGCCCTGTCGCTGGGCGGCGTCAGGCCC[G>T]CAAGGGCCAGGCTGGTGGTGAAGAGGTCCATGATGCTGCCCAGCTGGTGGCTCACCTGAA-3'
Protein context (NP_000503.1, residues 343-363): MDLFTTSLAL[Ala353Glu]GLTPPSDRAI